The following is an entry in ClinVar:

NM_139321.3(ATRN):c.1113-15_1113-14del

Gene: ATRN (attractin; plus strand). Cytogenetic location: 20p13.
Variant type: Deletion.
Coding change: c.1113-15_1113-14del on transcript NM_139321.3 (MANE Select); 15 bases into the intron before coding-DNA position 1113 through 14 bases into the intron before coding-DNA position 1113, 2 bases deleted (CT; older notation c.1113-15_1113-14delCT).
Molecular consequence: intron variant.
Genome position (GRCh38, 1-based): chr20:3,559,378-3,559,379, CT deleted; deleting any 2 consecutive bases within chr20:3,559,377-3,559,379 gives the same sequence; the c. name uses the placement nearest the transcript's 3' end. VCF-style (leftmost placement, unchanged base first): chr20-3559376-ATC-A. GRCh37 (hg19) VCF-style: chr20-3540023-ATC-A.
Other names: c.1113-15_1113-14del (NM_001323332.2, NM_139322.4); c.765-15_765-14del (NM_001207047.3).
Identifiers: ClinVar variation 2970080 (VCV002970080.3), dbSNP rs2514519185, ClinGen allele CA2651714297.

ClinVar aggregate classification (germline): Uncertain significance (1 of 4 stars; one submission).

Submission:

Labcorp Genetics (formerly Invitae), Labcorp
Classification: Uncertain significance. Last evaluated: 2023-07-26. Review status: criteria provided, single submitter. Criteria: Invitae Variant Classification Sherloc (09022015). Collection method: clinical testing. Allele origin: germline.
Comment: In summary, the available evidence is currently insufficient to determine the role of this variant in disease. Therefore, it has been classified as a Variant of Uncertain Significance. Algorithms developed to predict the effect of sequence changes on RNA splicing suggest that this variant may disrupt the consensus splice site. This variant has not been reported in the literature in individuals affected with ATRN-related conditions. This variant is not present in population databases (gnomAD no frequency). This sequence change falls in intron 6 of the ATRN gene. It does not directly change the encoded amino acid sequence of the ATRN protein.